The following is an entry in ClinVar:

ClinVar aggregate classification (germline): Uncertain significance. Review status: criteria provided, multiple submitters, no conflicts (2 of 4 stars). 3 submissions from 3 submitters: Uncertain significance (3). Last evaluated 2024-10-08.

Conditions:
Hereditary cancer-predisposing syndrome. Also called: Tumor predisposition; Neoplastic Syndromes, Hereditary; Hereditary Cancer Syndrome; Hereditary neoplastic syndrome. Identifiers: Orphanet 140162, MedGen C0027672, MeSH D009386, MONDO:0015356.
Ataxia-telangiectasia syndrome (AT). Also called: ATAXIA-TELANGIECTASIA, COMPLEMENTATION GROUP A; ATAXIA-TELANGIECTASIA, FRESNO VARIANT; LOUIS-BAR SYNDROME; Ataxia telangiectasia (A-T); Cerebello-oculocutaneous telangiectasia; Immunodeficiency with ataxia telangiectasia. Identifiers: Orphanet 100, MedGen C0004135, MONDO:0008840, OMIM 208900.

Allele frequency attached by ClinVar (database versions not stated): gnomAD exomes below 0.00001.
gnomAD v4.1: 1 of 1,613,542 alleles (0.000062%); highest among the groups gnomAD compares: Non-Finnish European, 0.000085%; no homozygotes.

Submissions (3):

Ambry Genetics
Classification: Uncertain significance for Hereditary cancer-predisposing syndrome. Last evaluated: 2024-10-08. Review status: criteria provided, single submitter. Criteria: Ambry Variant Classification Scheme 2023. Collection method: clinical testing. Allele origin: germline.
Comment: The p.V1344L variant (also known as c.4030G>T), located in coding exon 26 of the ATM gene, results from a G to T substitution at nucleotide position 4030. The valine at codon 1344 is replaced by leucine, an amino acid with highly similar properties. This alteration was seen in 0/732 breast cancer patients, 0/189 colorectal cancer patients and 1/490 cancer-free elderly controls in a Turkish population (Akcay IM et al. Int J Cancer, 2021 01;148:285-295). This amino acid position is well conserved in available vertebrate species. In addition, the in silico prediction for this alteration is inconclusive. Based on the available evidence, the clinical significance of this variant remains unclear.

Labcorp Genetics (formerly Invitae), Labcorp
Classification: Uncertain significance for Ataxia-telangiectasia syndrome. Last evaluated: 2024-02-17. Review status: criteria provided, single submitter. Criteria: Invitae Variant Classification Sherloc (09022015). Collection method: clinical testing. Allele origin: germline.
Comment: This sequence change replaces valine, which is neutral and non-polar, with leucine, which is neutral and non-polar, at codon 1344 of the ATM protein (p.Val1344Leu). This variant is not present in population databases (gnomAD no frequency). This variant has not been reported in the literature in individuals affected with ATM-related conditions. ClinVar contains an entry for this variant (Variation ID: 629637). An algorithm developed to predict the effect of missense changes on protein structure and function (PolyPhen-2) suggests that this variant is likely to be disruptive. In summary, the available evidence is currently insufficient to determine the role of this variant in disease. Therefore, it has been classified as a Variant of Uncertain Significance.

Color Diagnostics, LLC DBA Color Health
Classification: Uncertain significance for Hereditary cancer-predisposing syndrome. Last evaluated: 2019-06-06. Review status: criteria provided, single submitter. Criteria: ACMG Guidelines, 2015. Collection method: clinical testing. Allele origin: germline.

Literature cited by the submitters: PubMed 32658311 (cited by Ambry Genetics).

NM_000051.4(ATM):c.4030G>T (p.Val1344Leu)

Gene: ATM (ATM serine/threonine kinase; plus strand). Cytogenetic location: 11q22.3.
Variant type: single nucleotide variant.
Coding change: c.4030G>T on transcript NM_000051.4 (MANE Select); coding-DNA position 4030, G replaced by T.
Protein change: p.Val1344Leu; replaces valine 1344 with leucine.
Molecular consequence: missense variant.
Genome position (GRCh38, 1-based): chr11:108,287,636, G>T. VCF-style: chr11-108287636-G-T. GRCh37 (hg19) VCF-style: chr11-108158363-G-T.
Other names: c.4030G>T, p.Val1344Leu (NM_001351834.2); short protein forms V1344L.
Identifiers: ClinVar variation 629637 (VCV000629637.14), dbSNP rs1565452575, ClinGen allele CA382527707.